The following is an entry in ClinVar:

ClinVar aggregate classification (germline): Uncertain significance. Review status: criteria provided, multiple submitters, no conflicts (2 of 4 stars). 6 submissions from 6 submitters: Uncertain significance (6). Last evaluated 2025-12-08.

Conditions:
Aortic aneurysm, familial thoracic 4 (AAT4). Also called: AORTIC ANEURYSM/AORTIC DISSECTION AND PATENT DUCTUS ARTERIOSUS. Identifiers: MedGen C1851504, MONDO:0007568, OMIM 132900.
Familial thoracic aortic aneurysm and aortic dissection (TAAD). Also called: Thoracic aortic aneurysms and dissections. Identifiers: Orphanet 91387, MedGen C4707243, MONDO:0019625.

Allele frequency attached by ClinVar (database versions not stated): gnomAD exomes 0.00001.
gnomAD v4.1: 4 of 1,613,016 alleles (0.00025%); highest among the groups gnomAD compares: Admixed American, 0.0067%; no homozygotes.

Submissions (6):

Labcorp Genetics (formerly Invitae), Labcorp
Classification: Uncertain significance for Aortic aneurysm, familial thoracic 4. Last evaluated: 2025-12-08. Review status: criteria provided, single submitter. Criteria: Invitae Variant Classification Sherloc (09022015). Collection method: clinical testing. Allele origin: germline.
Comment: This sequence change replaces glutamic acid, which is acidic and polar, with aspartic acid, which is acidic and polar, at codon 1880 of the MYH11 protein (p.Glu1880Asp). This variant is present in population databases (rs762821036, gnomAD 0.01%). This variant has not been reported in the literature in individuals affected with MYH11-related conditions. ClinVar contains an entry for this variant (Variation ID: 1339615). Invitae Evidence Modeling of protein sequence and biophysical properties (such as structural, functional, and spatial information, amino acid conservation, physicochemical variation, residue mobility, and thermodynamic stability) indicates that this missense variant is not expected to disrupt MYH11 protein function with a negative predictive value of 95%. In summary, the available evidence is currently insufficient to determine the role of this variant in disease. Therefore, it has been classified as a Variant of Uncertain Significance.

Mayo Clinic Laboratories, Mayo Clinic
Classification: Uncertain significance. Last evaluated: 2025-11-01. Review status: criteria provided, single submitter. Criteria: ACMG Guidelines, 2015. Collection method: clinical testing. Allele origin: germline. Observed: 1 variant allele.
Comment: BP4

Ambry Genetics
Classification: Uncertain significance for Familial thoracic aortic aneurysm and aortic dissection. Last evaluated: 2025-07-02. Review status: criteria provided, single submitter. Criteria: Ambry Variant Classification Scheme 2023. Collection method: clinical testing. Allele origin: germline.

All of Us Research Program, National Institutes of Health
Classification: Uncertain significance for Familial thoracic aortic aneurysm and aortic dissection. Last evaluated: 2024-09-17. Review status: criteria provided, single submitter. Criteria: ACMG Guidelines, 2015. Collection method: clinical testing. Allele origin: germline. Inheritance: Autosomal dominant inheritance. Observed: 4 variant alleles, 4 heterozygotes.
Comment: This missense variant replaces glutamic acid with aspartic acid at codon 1880 of the MYH11 protein. Computational prediction suggests that this variant may not impact protein structure and function (internally defined REVEL score threshold <= 0.5, PMID: 27666373). To our knowledge, functional studies have not been reported for this variant. This variant has not been reported in individuals affected with cardiovascular disorders in the literature. This variant has been identified in 4/250518 chromosomes in the general population by the Genome Aggregation Database (gnomAD). The available evidence is insufficient to determine the role of this variant in disease conclusively. Therefore, this variant is classified as a Variant of Uncertain Significance.

This study involves interpretation of variants in research participants for the purpose of population health screening. Participant phenotype was not available at the time of variant classification. Additional details can be found in publication PMID: 35346344, PMCID: PMC8962531

Color Diagnostics, LLC DBA Color Health
Classification: Uncertain significance for Familial thoracic aortic aneurysm and aortic dissection. Last evaluated: 2024-03-07. Review status: criteria provided, single submitter. Criteria: ACMG Guidelines, 2015. Collection method: clinical testing. Allele origin: germline.
Comment: This missense variant replaces glutamic acid with aspartic acid at codon 1880 of the MYH11 protein. Computational prediction suggests that this variant may not impact protein structure and function. To our knowledge, functional studies have not been reported for this variant. This variant has not been reported in individuals affected with cardiovascular disorders in the literature. This variant has been identified in 4/250518 chromosomes in the general population by the Genome Aggregation Database (gnomAD). The available evidence is insufficient to determine the role of this variant in disease conclusively. Therefore, this variant is classified as a Variant of Uncertain Significance.

GeneDx
Classification: Uncertain significance. Last evaluated: 2024-03-06. Review status: criteria provided, single submitter. Criteria: GeneDx Variant Classification Process June 2021. Collection method: clinical testing. Allele origin: germline. Affected: yes.
Comment: Has not been previously published as pathogenic or benign to our knowledge; Not observed at significant frequency in large population cohorts (gnomAD); At the protein level, in silico analysis supports that this missense variant does not alter protein structure/function; At the mRNA level, in silico analysis suggests this variant may impact gene splicing. In the absence of RNA/functional studies, the actual effect of this sequence change is unknown.

NM_002474.3(MYH11):c.5619G>C (p.Glu1873Asp)

Genes: NDE1 (nudE neurodevelopment protein 1; plus strand), MYH11 (myosin heavy chain 11; minus strand). Cytogenetic location: 16p13.11.
Variant type: single nucleotide variant.
Coding change: c.5619G>C on transcript NM_002474.3 (MANE Select); coding-DNA position 5619, G replaced by C.
Protein change: p.Glu1873Asp; replaces glutamic acid 1873 with aspartic acid.
Molecular consequence: missense variant. On other transcripts: intron variant (2).
Genome position (GRCh38, 1-based): chr16:15,715,076, C>G on the plus strand (G>C on the coding strand, the complement: MYH11 is on the minus strand). VCF-style: chr16-15715076-C-G. GRCh37 (hg19) VCF-style: chr16-15808933-C-G.
Other names: p.Glu1880Asp; c.5640G>C, p.Glu1880Asp (NM_001040113.2, NM_001040114.2); c.5619G>C, p.Glu1873Asp (NM_022844.3); c.948-9115C>G (NM_001143979.2, NM_017668.3); short protein forms E1873D, E1880D.
Identifiers: ClinVar variation 1339615 (VCV001339615.15), dbSNP rs762821036, ClinGen allele CA7921182.